The following is an entry in ClinVar:

NM_004036.5(ADCY3):c.1663-1G>A

Gene: ADCY3 (adenylate cyclase 3; minus strand). Cytogenetic location: 2p23.3.
Variant type: single nucleotide variant.
Coding change: c.1663-1G>A on transcript NM_004036.5 (MANE Select); the canonical splice acceptor site of the intron before coding-DNA position 1663, G replaced by A.
Molecular consequence: splice acceptor variant.
Genome position (GRCh38, 1-based): chr2:24,834,937, C>T on the plus strand (G>A on the coding strand, the complement: ADCY3 is on the minus strand). VCF-style: chr2-24834937-C-T. GRCh37 (hg19) VCF-style: chr2-25057806-C-T.
Other names: c.1663-1G>A (NM_001377129.1, NM_001320613.2, NM_001377132.1 and 1 more transcripts); c.1729-1G>A (NM_001377128.1); c.940-1G>A (NM_001377131.1).
Identifiers: ClinVar variation 3344416 (VCV003344416.1).

ClinVar aggregate classification (germline): Likely pathogenic (0 of 4 stars; one submission).

Conditions:
ADCY3-related disorder. Also called: ADCY3-related condition.

Submission:

PreventionGenetics, part of Exact Sciences
Classification: Likely pathogenic for ADCY3-related condition. Last evaluated: 2024-07-18. Review status: no assertion criteria provided. Collection method: clinical testing. Allele origin: germline.
Comment: The ADCY3 c.1663-1G>A variant is predicted to disrupt the AG splice acceptor site and interfere with normal splicing. To our knowledge, this variant has not been reported in the literature or in a large population database, indicating this variant is rare. Loss-of-function variants, such as this affecting a splice acceptor site, in ADCY3 are expected to be pathogenic. This variant is interpreted as likely pathogenic.